The following is an entry in ClinVar:

NM_015338.6(ASXL1):c.1826C>T (p.Thr609Ile)

Gene: ASXL1 (ASXL transcriptional regulator 1; plus strand). Cytogenetic location: 20q11.21.
Variant type: single nucleotide variant.
Coding change: c.1826C>T on transcript NM_015338.6 (MANE Select); coding-DNA position 1826, C replaced by T.
Protein change: p.Thr609Ile; replaces threonine 609 with isoleucine.
Molecular consequence: missense variant.
Genome position (GRCh38, 1-based): chr20:32,434,538, C>T. VCF-style: chr20-32434538-C-T. GRCh37 (hg19) VCF-style: chr20-31022341-C-T.
Other names: c.1643C>T, p.Thr548Ile (NM_001363734.1); short protein forms T609I, T548I.
Identifiers: ClinVar variation 2963909 (VCV002963909.4), dbSNP rs1292056366, ClinGen allele CA408558005.

ClinVar aggregate classification (germline): Conflicting classifications of pathogenicity. Review status: criteria provided, conflicting classifications (1 of 4 stars). 2 submissions from 2 submitters: Uncertain significance (1); Likely benign (1). Last evaluated 2024-11-22.

Conditions:
Inborn genetic diseases. Identifiers: MedGen C0950123, MeSH D030342.

Allele frequency attached by ClinVar (database versions not stated): TOPMed 0.00001; gnomAD 0.00002; gnomAD exomes 0.00005.
gnomAD v4.1: 81 of 1,613,830 alleles (0.005%); highest among the groups gnomAD compares: Non-Finnish European, 0.0062%; no homozygotes.

Submissions (2):

Ambry Genetics
Classification: Likely benign for Inborn genetic diseases. Last evaluated: 2024-11-22. Review status: criteria provided, single submitter. Criteria: Ambry Variant Classification Scheme 2023. Collection method: clinical testing. Allele origin: germline.

Labcorp Genetics (formerly Invitae), Labcorp
Classification: Uncertain significance. Last evaluated: 2023-09-19. Review status: criteria provided, single submitter. Criteria: Invitae Variant Classification Sherloc (09022015). Collection method: clinical testing. Allele origin: germline.
Comment: In summary, the available evidence is currently insufficient to determine the role of this variant in disease. Therefore, it has been classified as a Variant of Uncertain Significance. An algorithm developed to predict the effect of missense changes on protein structure and function (PolyPhen-2) suggests that this variant is likely to be disruptive. This variant has not been reported in the literature in individuals affected with ASXL1-related conditions. This variant is present in population databases (no rsID available, gnomAD 0.002%). This sequence change replaces threonine, which is neutral and polar, with isoleucine, which is neutral and non-polar, at codon 609 of the ASXL1 protein (p.Thr609Ile).